The following is an entry in ClinVar:

NM_000459.5(TEK):c.*11del

Gene: TEK (TEK receptor tyrosine kinase; plus strand). Cytogenetic location: 9p21.2.
Variant type: Deletion.
Coding change: c.*11del on transcript NM_000459.5 (MANE Select); 11 bases downstream of the stop codon, one base deleted (C; older notation c.*11delC).
Molecular consequence: 3 prime UTR variant.
Genome position (GRCh38, 1-based): chr9:27,229,243, C deleted. VCF-style (leftmost placement, unchanged base first): chr9-27229242-TC-T. GRCh37 (hg19) VCF-style: chr9-27229240-TC-T.
Other names: c.*11del (NM_001290077.2, NM_001290078.2, NM_001375475.1 and 1 more transcripts).
Identifiers: ClinVar variation 4683377 (VCV004683377.1).

ClinVar aggregate classification (germline): Likely benign (1 of 4 stars; one submission).

Submission:

Mayo Clinic Laboratories, Mayo Clinic
Classification: Likely benign. Last evaluated: 2025-08-28. Review status: criteria provided, single submitter. Criteria: ACMG Guidelines, 2015. Collection method: clinical testing. Allele origin: germline. Observed: 1 variant allele.
Comment: BP4, BP7, PM2_supporting